The following is an entry in ClinVar:

ClinVar aggregate classification (germline): Uncertain significance (1 of 4 stars; one submission).

gnomAD v4.1: 3 of 1,614,134 alleles (0.00019%); highest among the groups gnomAD compares: Middle Eastern, 0.016%; no homozygotes.

Submission:

GeneDx
Classification: Uncertain significance. Last evaluated: 2024-11-30. Review status: criteria provided, single submitter. Criteria: GeneDx Variant Classification Process June 2021. Collection method: clinical testing. Allele origin: germline. Affected: yes.
Comment: Not observed at significant frequency in large population cohorts (gnomAD); In silico analysis indicates that this missense variant does not alter protein structure/function; Has not been previously published as pathogenic or benign to our knowledge

NM_145239.3(PRRT2):c.301C>T (p.Pro101Ser)

Genes: MVP-DT (MVP divergent transcript; minus strand), PRRT2 (proline rich transmembrane protein 2; plus strand). Cytogenetic location: 16p11.2.
Variant type: single nucleotide variant.
Coding change: c.301C>T on transcript NM_145239.3 (MANE Select); coding-DNA position 301, C replaced by T.
Protein change: p.Pro101Ser; replaces proline 101 with serine.
Molecular consequence: missense variant.
Genome position (GRCh38, 1-based): chr16:29,813,355, C>T. VCF-style: chr16-29813355-C-T. GRCh37 (hg19) VCF-style: chr16-29824676-C-T.
Other names: c.301C>T, p.Pro101Ser (NM_001256443.2, NM_001256442.2); short protein forms P101S.
Identifiers: ClinVar variation 3900936 (VCV003900936.1).
Genomic context (GRCh38, chr16:29,813,355, plus strand): 5'-ACAGCCCAGGCCACAGACCTCAGCTTAAGCCCAGGAGGGGAATCAAAGGCCAACTGCAGC[C>T]CCGAAGACCCATGCCAAGAAACAGTGTCCAAACCAGAAGTGAGCAAAGAGGCCACTGCAG-3'
Protein context (NP_660282.2, residues 91-111): PGGESKANCS[Pro101Ser]EDPCQETVSK